The following is an entry in ClinVar:

Conditions:
Long QT syndrome 5 (LQT5). Identifiers: Orphanet 101016, Orphanet 768, MedGen C1867904, MONDO:0013372, OMIM 613695.

Submission:

Roden Lab, Vanderbilt University Medical Center
No classification provided (evidence only). Condition: Long QT syndrome 5. Review status: no classification provided. Collection method: in vitro. Allele origin: not applicable. Functional consequence: Effect on ion channel function.
ClinVar note: "not provided" was previously submitted as the classification for the variant. However, the classification appeared to be based only on an observation of functional data so it was converted to no classification on 2025-07-30.

NM_000219.6(KCNE1):c.364C>A (p.Leu122Ile)

Gene: KCNE1 (potassium voltage-gated channel subfamily E regulatory subunit 1; minus strand). Cytogenetic location: 21q22.12.
Variant type: single nucleotide variant.
Coding change: c.364C>A on transcript NM_000219.6 (MANE Select); coding-DNA position 364, C replaced by A.
Protein change: p.Leu122Ile; replaces leucine 122 with isoleucine.
Molecular consequence: missense variant.
Genome position (GRCh38, 1-based): chr21:34,449,271, G>T on the plus strand (C>A on the coding strand, the complement: KCNE1 is on the minus strand). VCF-style: chr21-34449271-G-T. GRCh37 (hg19) VCF-style: chr21-35821569-G-T.
Other names: c.364C>A, p.Leu122Ile (NM_001127668.4, NM_001127669.4, NM_001127670.4 and 4 more transcripts); short protein forms L122I.
Identifiers: ClinVar variation 3373822 (VCV003373822.2).